The following is an entry in ClinVar:

ClinVar aggregate classification (germline): Uncertain significance (1 of 4 stars; one submission).

Conditions:
DICER1-related tumor predisposition. Also called: DICER1 syndrome; DICER1-related pleuropulmonary blastoma cancer predisposition syndrome. Identifiers: Orphanet 284343, MedGen C3839822, MONDO:0100216.

Submission:

Labcorp Genetics (formerly Invitae), Labcorp
Classification: Uncertain significance for DICER1-related tumor predisposition. Last evaluated: 2024-04-09. Review status: criteria provided, single submitter. Criteria: Invitae Variant Classification Sherloc (09022015). Collection method: clinical testing. Allele origin: germline.
Comment: This sequence change replaces valine, which is neutral and non-polar, with leucine, which is neutral and non-polar, at codon 129 of the DICER1 protein (p.Val129Leu). RNA analysis indicates that this missense change induces altered splicing and may result in an absent or disrupted protein product. This variant is not present in population databases (gnomAD no frequency). This variant has not been reported in the literature in individuals affected with DICER1-related conditions. An algorithm developed to predict the effect of missense changes on protein structure and function (PolyPhen-2) suggests that this variant is likely to be tolerated. Studies have shown that this missense change results in skipping of exon 4 and introduces a premature termination codon (Invitae). The resulting mRNA is expected to undergo nonsense-mediated decay. In summary, the available evidence is currently insufficient to determine the role of this variant in disease. Therefore, it has been classified as a Variant of Uncertain Significance.

NM_177438.3(DICER1):c.385G>T (p.Val129Leu)

Gene: DICER1 (dicer 1, ribonuclease III; minus strand). Cytogenetic location: 14q32.13.
Variant type: single nucleotide variant.
Coding change: c.385G>T on transcript NM_177438.3 (MANE Select); coding-DNA position 385, G replaced by T.
Protein change: p.Val129Leu; replaces valine 129 with leucine.
Molecular consequence: missense variant. On other transcripts: 5 prime UTR variant (2), non-coding transcript variant (5), intron variant (6).
Genome position (GRCh38, 1-based): chr14:95,131,562, C>A on the plus strand (G>T on the coding strand, the complement: DICER1 is on the minus strand). VCF-style: chr14-95131562-C-A. GRCh37 (hg19) VCF-style: chr14-95597899-C-A.
Other names: c.385G>T, p.Val129Leu (NM_001195573.1, NM_001271282.3, NM_001291628.2 and 14 more transcripts); c.103G>T, p.Val35Leu (NM_001395686.1); c.-74G>T (NM_001395691.1); c.-1184G>T (NM_001395697.1); c.33+953G>T (NM_001395690.1, NM_001395687.1, NM_001395689.1 and 3 more transcripts); short protein forms V129L, V35L.
Identifiers: ClinVar variation 3649248 (VCV003649248.2).